The following is an entry in ClinVar:

ClinVar aggregate classification (germline): Likely benign (1 of 4 stars; one submission).

Conditions:
DCHS1-related disorder. Also called: DCHS1-related condition.

gnomAD v4.1: 3 of 1,611,800 alleles (0.00019%); highest among the groups gnomAD compares: Non-Finnish European, 0.00025%; no homozygotes.

Submission:

PreventionGenetics, part of Exact Sciences
Classification: Likely benign for DCHS1-related condition. Last evaluated: 2025-03-12. Review status: criteria provided, single submitter. Criteria: ACMG Guidelines, 2015. Collection method: clinical testing. Allele origin: germline.
Comment: This variant is classified as likely benign based on ACMG/AMP sequence variant interpretation guidelines (Richards et al. 2015 PMID: 25741868, with internal and published modifications).

NM_003737.4(DCHS1):c.2502A>C (p.Arg834=)

Gene: DCHS1 (dachsous cadherin-related 1; minus strand). Cytogenetic location: 11p15.4.
Variant type: single nucleotide variant.
Coding change: c.2502A>C on transcript NM_003737.4 (MANE Select); coding-DNA position 2502, A replaced by C.
Protein change: p.Arg834=; no amino-acid change (arginine 834 retained).
Molecular consequence: synonymous variant.
Genome position (GRCh38, 1-based): chr11:6,633,010, T>G on the plus strand (A>C on the coding strand, the complement: DCHS1 is on the minus strand). VCF-style: chr11-6633010-T-G. GRCh37 (hg19) VCF-style: chr11-6654241-T-G.
Identifiers: ClinVar variation 4983686 (VCV004983686.1).